The following is an entry in ClinVar:

ClinVar aggregate classification (germline): Uncertain significance (1 of 4 stars; one submission).

Conditions:
Hermansky-Pudlak syndrome 2 (HPS2). Also called: Platelet defects and oculocutaneous albinism. Identifiers: Orphanet 183678, Orphanet 79430, MedGen C1842362, MONDO:0011997, OMIM 608233.

Allele frequency attached by ClinVar (database versions not stated): gnomAD exomes below 0.00001; ExAC 0.00001.
gnomAD v4.1: 4 of 1,613,130 alleles (0.00025%); highest among the groups gnomAD compares: Non-Finnish European, 0.00025%; no homozygotes.

Submission:

Labcorp Genetics (formerly Invitae), Labcorp
Classification: Uncertain significance for Hermansky-Pudlak syndrome 2. Last evaluated: 2024-01-29. Review status: criteria provided, single submitter. Criteria: Invitae Variant Classification Sherloc (09022015). Collection method: clinical testing. Allele origin: germline.
Comment: This sequence change replaces methionine, which is neutral and non-polar, with threonine, which is neutral and polar, at codon 293 of the AP3B1 protein (p.Met293Thr). This variant is present in population databases (rs760424300, gnomAD 0.0009%). This variant has not been reported in the literature in individuals affected with AP3B1-related conditions. ClinVar contains an entry for this variant (Variation ID: 1912936). An algorithm developed to predict the effect of missense changes on protein structure and function (PolyPhen-2) suggests that this variant¬†is likely to be tolerated. In summary, the available evidence is currently insufficient to determine the role of this variant in disease. Therefore, it has been classified as a Variant of Uncertain Significance.

NM_003664.5(AP3B1):c.878T>C (p.Met293Thr)

Gene: AP3B1 (adaptor related protein complex 3 subunit beta 1; minus strand). Cytogenetic location: 5q14.1.
Variant type: single nucleotide variant.
Coding change: c.878T>C on transcript NM_003664.5 (MANE Select); coding-DNA position 878, T replaced by C.
Protein change: p.Met293Thr; replaces methionine 293 with threonine.
Molecular consequence: missense variant.
Genome position (GRCh38, 1-based): chr5:78,181,571, A>G on the plus strand (T>C on the coding strand, the complement: AP3B1 is on the minus strand). VCF-style: chr5-78181571-A-G. GRCh37 (hg19) VCF-style: chr5-77477395-A-G.
Other names: c.731T>C, p.Met244Thr (NM_001271769.2); c.878T>C, p.Met293Thr (NM_001410752.1); short protein forms M244T, M293T.
Identifiers: ClinVar variation 1912936 (VCV001912936.4), dbSNP rs760424300, ClinGen allele CA3317269.